The following is an entry in ClinVar:

NM_001126108.2(SLC12A3):c.2899T>A (p.Ser967Thr)

Gene: SLC12A3 (solute carrier family 12 member 3; plus strand). Cytogenetic location: 16q13.
Variant type: single nucleotide variant.
Coding change: c.2899T>A on transcript NM_001126108.2 (MANE Select); coding-DNA position 2899, T replaced by A.
Protein change: p.Ser967Thr; replaces serine 967 with threonine.
Molecular consequence: missense variant.
Genome position (GRCh38, 1-based): chr16:56,904,437, T>A. VCF-style: chr16-56904437-T-A. GRCh37 (hg19) VCF-style: chr16-56938349-T-A.
Other names: c.2926T>A, p.Ser976Thr (NM_000339.3); c.2923T>A, p.Ser975Thr (NM_001126107.2); c.2896T>A, p.Ser966Thr (NM_001410896.1); short protein forms S967T, S975T, S966T, S976T.
Identifiers: ClinVar variation 2692823 (VCV002692823.3), dbSNP rs2543563511, ClinGen allele CA396002432.

ClinVar aggregate classification (germline): Likely pathogenic (1 of 4 stars; one submission).

Submission:

Labcorp Genetics (formerly Invitae), Labcorp
Classification: Likely pathogenic. Last evaluated: 2023-06-05. Review status: criteria provided, single submitter. Criteria: Invitae Variant Classification Sherloc (09022015). Collection method: clinical testing. Allele origin: germline.
Comment: In summary, the currently available evidence indicates that the variant is pathogenic, but additional data are needed to prove that conclusively. Therefore, this variant has been classified as Likely Pathogenic. This variant disrupts the p.Ser976 amino acid residue in SLC12A3. Other variant(s) that disrupt this residue have been determined to be pathogenic (PMID: 16837915, 19508680, 27784896). This suggests that this residue is clinically significant, and that variants that disrupt this residue are likely to be disease-causing. Advanced modeling of protein sequence and biophysical properties (such as structural, functional, and spatial information, amino acid conservation, physicochemical variation, residue mobility, and thermodynamic stability) performed at Invitae indicates that this missense variant is expected to disrupt SLC12A3 protein function. This variant has not been reported in the literature in individuals affected with SLC12A3-related conditions. This variant is not present in population databases (gnomAD no frequency). This sequence change replaces serine, which is neutral and polar, with threonine, which is neutral and polar, at codon 976 of the SLC12A3 protein (p.Ser976Thr).

Literature cited by the submitters: PubMed 16837915; PubMed 19508680; PubMed 27784896.